The following is an entry in ClinVar:

NM_004969.4(IDE):c.837G>A (p.Glu279=)

Gene: IDE (insulin degrading enzyme; minus strand). Cytogenetic location: 10q23.33.
Variant type: single nucleotide variant.
Coding change: c.837G>A on transcript NM_004969.4 (MANE Select); coding-DNA position 837, G replaced by A.
Protein change: p.Glu279=; no amino-acid change (glutamic acid 279 retained).
Molecular consequence: synonymous variant. On other transcripts: non-coding transcript variant (1).
Genome position (GRCh38, 1-based): chr10:92,510,110, C>T on the plus strand (G>A on the coding strand, the complement: IDE is on the minus strand). VCF-style: chr10-92510110-C-T. GRCh37 (hg19) VCF-style: chr10-94269867-C-T.
Other names: c.837G>A, p.Glu279= (NM_001322793.2); c.720G>A, p.Glu240= (NM_001322794.2); c.714G>A, p.Glu238= (NM_001322795.2, NM_001322796.1, NM_001410974.1).
Identifiers: ClinVar variation 3905966 (VCV003905966.10).
Genomic context (GRCh38, chr10:92,510,110, plus strand): 5'-TTTAAGATGTTCTTCTTGGAAAGGGTGTTCAGGAAATTCTGGCAATGGAACATTTTTGTT[C>T]TCTACTTCAGAAAATAACTTTACCACCAGATTAGTCAAGTCATCTAAAGATTCTACAAGA-3'
Protein context (NP_004960.2, residues 269-289): NLVVKLFSEV[Glu279=]NKNVPLPEFP

ClinVar aggregate classification (germline): Likely benign (1 of 4 stars; one submission).

gnomAD v4.1: 11 of 1,605,862 alleles (0.00068%); highest among the groups gnomAD compares: Middle Eastern, 0.017%; 1 homozygote.

Submission:

CeGaT Center for Human Genetics Tuebingen
Classification: Likely benign. Last evaluated: 2025-06-01. Review status: criteria provided, single submitter. Criteria: CeGaT Center For Human Genetics Tuebingen Variant Classification Criteria Version 2. Collection method: clinical testing. Allele origin: germline. Affected: yes. Observed: 1 variant allele.
Comment: IDE: BP4, BP7